The following is an entry in ClinVar:

ClinVar aggregate classification (germline): Uncertain significance (1 of 4 stars; one submission).

gnomAD v4.1: 1 of 1,613,516 alleles (0.000062%); highest among the groups gnomAD compares: South Asian, 0.0011%; no homozygotes.

Submission:

Labcorp Genetics (formerly Invitae), Labcorp
Classification: Uncertain significance. Last evaluated: 2024-02-06. Review status: criteria provided, single submitter. Criteria: Invitae Variant Classification Sherloc (09022015). Collection method: clinical testing. Allele origin: germline.
Comment: This sequence change replaces proline, which is neutral and non-polar, with leucine, which is neutral and non-polar, at codon 322 of the TRIP13 protein (p.Pro322Leu). This variant is present in population databases (rs765623153, gnomAD 0.003%). This variant has not been reported in the literature in individuals affected with TRIP13-related conditions. An algorithm developed to predict the effect of missense changes on protein structure and function (PolyPhen-2) suggests that this variant is likely to be disruptive. In summary, the available evidence is currently insufficient to determine the role of this variant in disease. Therefore, it has been classified as a Variant of Uncertain Significance.

NM_004237.4(TRIP13):c.965C>T (p.Pro322Leu)

Gene: TRIP13 (thyroid hormone receptor interactor 13; plus strand). Cytogenetic location: 5p15.33.
Variant type: single nucleotide variant.
Coding change: c.965C>T on transcript NM_004237.4 (MANE Select); coding-DNA position 965, C replaced by T.
Protein change: p.Pro322Leu; replaces proline 322 with leucine.
Molecular consequence: missense variant.
Genome position (GRCh38, 1-based): chr5:911,941, C>T. VCF-style: chr5-911941-C-T. GRCh37 (hg19) VCF-style: chr5-912056-C-T.
Other names: short protein forms P322L.
Identifiers: ClinVar variation 3639227 (VCV003639227.2).